The following is an entry in ClinVar:

ClinVar aggregate classification (germline): Uncertain significance. Review status: criteria provided, multiple submitters, no conflicts (2 of 4 stars). 4 submissions from 4 submitters: Uncertain significance (3). 1 of the submissions does not count toward it. Last evaluated 2024-03-12.

Conditions:
IFT172-related disorder. Also called: IFT172-related condition; IFT172-related disorders.
Short-rib thoracic dysplasia 10 with or without polydactyly (SRTD10). Identifiers: Orphanet 474, MedGen C3810175, MONDO:0014284, OMIM 615630.
Retinitis pigmentosa 71 (RP71). Identifiers: Orphanet 791, MedGen C4225342, MONDO:0014618, OMIM 616394.
Bardet-Biedl syndrome 20. Identifiers: MedGen C4310707, MONDO:0023670, OMIM 619471, MONDO:0014926.

Allele frequency attached by ClinVar (database versions not stated): gnomAD exomes below 0.00001; TOPMed 0.00001.
gnomAD v4.1: 2 of 1,613,672 alleles (0.00012%); highest among the groups gnomAD compares: Non-Finnish European, 0.00017%; no homozygotes.

Submissions (4):

Blueprint Genetics
Classification: Uncertain significance. Last evaluated: 2024-03-12. Review status: criteria provided, single submitter. Criteria: ACMG Guidelines, 2015. Collection method: clinical testing. Allele origin: germline.

Labcorp Genetics (formerly Invitae), Labcorp
Classification: Uncertain significance for Retinitis pigmentosa 71; Short-rib thoracic dysplasia 10 with or without polydactyly. Last evaluated: 2022-04-17. Review status: criteria provided, single submitter. Criteria: Invitae Variant Classification Sherloc (09022015). Collection method: clinical testing. Allele origin: germline.
Comment: This sequence change replaces arginine, which is basic and polar, with lysine, which is basic and polar, at codon 319 of the IFT172 protein (p.Arg319Lys). This variant is not present in population databases (gnomAD no frequency). This variant has not been reported in the literature in individuals affected with IFT172-related conditions. ClinVar contains an entry for this variant (Variation ID: 1023854). Algorithms developed to predict the effect of missense changes on protein structure and function are either unavailable or do not agree on the potential impact of this missense change (SIFT: "Deleterious"; PolyPhen-2: "Benign"; Align-GVGD: "Class C0"). Algorithms developed to predict the effect of sequence changes on RNA splicing suggest that this variant may create or strengthen a splice site. In summary, the available evidence is currently insufficient to determine the role of this variant in disease. Therefore, it has been classified as a Variant of Uncertain Significance.

Fulgent Genetics
Classification: Uncertain significance for Short-rib thoracic dysplasia 10 with or without polydactyly; Retinitis pigmentosa 71; Bardet-Biedl syndrome 20. Last evaluated: 2021-12-10. Review status: criteria provided, single submitter. Criteria: ACMG Guidelines, 2015. Collection method: clinical testing. Allele origin: unknown.

PreventionGenetics, part of Exact Sciences
Classification: Uncertain significance for IFT172-related condition. Last evaluated: 2023-12-18. Review status: no assertion criteria provided. Collection method: clinical testing. Allele origin: germline. Not counted in ClinVar's aggregate classification.
Comment: The IFT172 c.956G>A variant is predicted to result in the amino acid substitution p.Arg319Lys. To our knowledge, this variant has not been reported in the literature or in a large population database, indicating this variant is rare. At this time, the clinical significance of this variant is uncertain due to the absence of conclusive functional and genetic evidence.

NM_015662.3(IFT172):c.956G>A (p.Arg319Lys)

Gene: IFT172 (intraflagellar transport 172; minus strand). Cytogenetic location: 2p23.3.
Variant type: single nucleotide variant.
Coding change: c.956G>A on transcript NM_015662.3 (MANE Select); coding-DNA position 956, G replaced by A.
Protein change: p.Arg319Lys; replaces arginine 319 with lysine.
Molecular consequence: missense variant.
Genome position (GRCh38, 1-based): chr2:27,479,558, C>T on the plus strand (G>A on the coding strand, the complement: IFT172 is on the minus strand). VCF-style: chr2-27479558-C-T. GRCh37 (hg19) VCF-style: chr2-27702425-C-T.
Other names: c.956G>A (NM_015662.2); short protein forms R319K.
Identifiers: ClinVar variation 1023854 (VCV001023854.9), dbSNP rs1002834084, ClinGen allele CA44514968.